The following is an entry in ClinVar:

ClinVar aggregate classification (germline): Conflicting classifications of pathogenicity. Review status: criteria provided, conflicting classifications (1 of 4 stars). 7 submissions from 6 submitters: Uncertain significance (1); Benign (1); Likely benign (2). 3 of the submissions do not count toward it. Last evaluated 2026-01-24.

Conditions:
Oguchi disease. Also called: Oguchi's disease. Identifiers: Orphanet 75382, MedGen C1306122, MONDO:0019152.
SAG-related disorder. Also called: SAG-related condition; SAG-related disorders.
Retinitis pigmentosa (RP). Identifiers: Orphanet 791, MedGen C0035334, MeSH D012174, MONDO:0019200, OMIM 268000. Inheritance: Autosomal dominant, autosomal recessive and X linked inheritance.

Allele frequency attached by ClinVar (database versions not stated): gnomAD exomes 0.00016 and 0.00055; ExAC 0.00071; 1000 Genomes Project 0.00200; 1000 Genomes Project 30x 0.00203; gnomAD 0.00204 and 0.00217; TOPMed 0.00231; ESP Exome Variant Server 0.00243.
gnomAD v4.1: 568 of 1,613,916 alleles (0.035%); highest among the groups gnomAD compares: African/African-American, 0.65%; 1 homozygote.

Submissions (7):

Labcorp Genetics (formerly Invitae), Labcorp
Classification: Benign. Last evaluated: 2026-01-24. Review status: criteria provided, single submitter. Criteria: Invitae Variant Classification Sherloc (09022015). Collection method: clinical testing. Allele origin: germline.

Blueprint Genetics
Classification: Likely benign. Last evaluated: 2024-09-20. Review status: criteria provided, single submitter. Criteria: ACMG Guidelines, 2015. Collection method: clinical testing. Allele origin: germline.

Illumina Laboratory Services, Illumina
Classification: Likely benign for Oguchi disease-1. Last evaluated: 2018-01-12. Review status: criteria provided, single submitter. Criteria: ICSL Variant Classification Criteria 13 December 2019. Collection method: clinical testing. Allele origin: germline.
Comment: This variant was observed in the ICSL laboratory as part of a predisposition screen in an ostensibly healthy population. It had not been previously curated by ICSL or reported in the Human Gene Mutation Database (HGMD: prior to June 1st, 2018), and was therefore a candidate for classification through an automated scoring system. Utilizing variant allele frequency, disease prevalence and penetrance estimates, and inheritance mode, an automated score was calculated to assess if this variant is too frequent to cause the disease. Based on the score and internal cut-off values, a variant classified as likely benign is not then subjected to further curation. The score for this variant resulted in a classification of likely benign for this disease.

Illumina Laboratory Services, Illumina
Classification: Uncertain significance for Retinitis pigmentosa. Last evaluated: 2018-01-12. Review status: criteria provided, single submitter. Criteria: ICSL Variant Classification Criteria 13 December 2019. Collection method: clinical testing. Allele origin: germline.

PreventionGenetics, part of Exact Sciences
Classification: Benign for SAG-related condition. Last evaluated: 2019-08-02. Review status: no assertion criteria provided. Collection method: clinical testing. Allele origin: germline. Not counted in ClinVar's aggregate classification.
Comment: This variant is classified as benign based on ACMG/AMP sequence variant interpretation guidelines (Richards et al. 2015 PMID: 25741868, with internal and published modifications).

Clinical Genetics DNA and cytogenetics Diagnostics Lab, Erasmus MC, Erasmus Medical Center
Classification: Likely benign. Review status: no assertion criteria provided. Collection method: clinical testing. Allele origin: germline. Affected: yes. Study: VKGL Data-share Consensus. Not counted in ClinVar's aggregate classification.

Clinical Genetics, Academic Medical Center
Classification: Benign. Review status: no assertion criteria provided. Collection method: clinical testing. Allele origin: germline. Affected: yes. Study: VKGL Data-share Consensus. Not counted in ClinVar's aggregate classification.

NM_000541.5(SAG):c.588G>A (p.Ala196=)

Gene: SAG (S-antigen visual arrestin; plus strand). Cytogenetic location: 2q37.1.
Variant type: single nucleotide variant.
Coding change: c.588G>A on transcript NM_000541.5 (MANE Select); coding-DNA position 588, G replaced by A.
Protein change: p.Ala196=; no amino-acid change (alanine 196 retained).
Molecular consequence: synonymous variant.
Genome position (GRCh38, 1-based): chr2:233,328,553, G>A. VCF-style: chr2-233328553-G-A. GRCh37 (hg19) VCF-style: chr2-234237199-G-A.
Identifiers: ClinVar variation 712453 (VCV000712453.20), dbSNP rs190853693, ClinGen allele CA2174442.